The following is an entry in ClinVar:

NM_001042492.3(NF1):c.5328_5329delinsTA (p.Val1777Ile)

Gene: NF1 (neurofibromin 1; plus strand). Cytogenetic location: 17q11.2.
Variant type: Indel.
Coding change: c.5328_5329delinsTA on transcript NM_001042492.3 (MANE Select); coding-DNA positions 5328 to 5329, AG replaced by TA.
Protein change: p.Val1777Ile; replaces valine 1777 with isoleucine.
Molecular consequence: missense variant.
Genome position (GRCh38, 1-based): chr17:31,327,558-31,327,559, AG replaced by TA. VCF-style: chr17-31327558-AG-TA. GRCh37 (hg19) VCF-style: chr17-29654576-AG-TA.
Other names: c.5265_5266delAGinsTA, p.Val1756Ile (NM_000267.4); short protein forms V1777I, V1756I.
Identifiers: ClinVar variation 856337 (VCV000856337.5), dbSNP rs2069377113, ClinGen allele CA916080621.

ClinVar aggregate classification (germline): Uncertain significance (1 of 4 stars; one submission).

Conditions:
Neurofibromatosis, type 1 (NF1). Also called: Neurofibromatosis, type I; VON RECKLINGHAUSEN DISEASE; Peripheral type neurofibromatosis; NEUROFIBROMATOSIS, TYPE I, SOMATIC. Identifiers: Orphanet 636, MedGen C0027831, MONDO:0018975, OMIM 162200. Disease mechanism: loss of function.

Submission:

Labcorp Genetics (formerly Invitae), Labcorp
Classification: Uncertain significance for Neurofibromatosis, type 1. Last evaluated: 2023-04-17. Review status: criteria provided, single submitter. Criteria: Invitae Variant Classification Sherloc (09022015). Collection method: clinical testing. Allele origin: germline.
Comment: In summary, the available evidence is currently insufficient to determine the role of this variant in disease. Therefore, it has been classified as a Variant of Uncertain Significance. Experimental studies and prediction algorithms are not available or were not evaluated, and the functional significance of this variant is currently unknown. ClinVar contains an entry for this variant (Variation ID: 856337). This variant has not been reported in the literature in individuals affected with NF1-related conditions. Information on the frequency of this variant in the gnomAD database is not available, as this variant may be reported differently in the database. This sequence change replaces valine, which is neutral and non-polar, with isoleucine, which is neutral and non-polar, at codon 1756 of the NF1 protein (p.Val1756Ile).